The following is an entry in ClinVar:

ClinVar aggregate classification (germline): Likely pathogenic (1 of 4 stars; one submission).

Conditions:
Microcephaly 3, primary, autosomal recessive. Identifiers: Orphanet 2512, MedGen C1858108, MONDO:0011488, OMIM 604804.

Submission:

First Genomix Gene Laboratory, Genetic Diagnostics Department
Classification: Likely pathogenic for Microcephaly 3, primary, autosomal recessive. Last evaluated: 2025-12-31. Review status: criteria provided, single submitter. Criteria: ACMG Guidelines, 2015. Collection method: clinical testing. Allele origin: germline. Inheritance: Autosomal recessive inheritance. Affected: no. Observed: 1 variant allele.

NM_018249.6(CDK5RAP2):c.3015del (p.Leu1006fs)

Gene: CDK5RAP2 (CDK5 regulatory subunit associated protein 2; minus strand). Cytogenetic location: 9q33.2.
Variant type: Deletion.
Coding change: c.3015del on transcript NM_018249.6 (MANE Select); coding-DNA position 3015, one base deleted (G; older notation c.3015delG).
Protein change: p.Leu1006fs; shifts the reading frame from leucine 1006.
Molecular consequence: frameshift variant. On other transcripts: non-coding transcript variant (5).
Genome position (GRCh38, 1-based): chr9:120,447,905, C deleted on the plus strand (G on the coding strand, the reverse complement: CDK5RAP2 is on the minus strand). VCF-style (leftmost placement, unchanged base first): chr9-120447904-AC-A. GRCh37 (hg19) VCF-style: chr9-123210182-AC-A.
Other names: c.3015del, p.Leu1006fs (NM_001011649.3); c.2325del, p.Leu776fs (NM_001272039.2); c.2916del, p.Leu973fs (NM_001410992.1); c.2919del, p.Leu974fs (NM_001410993.1); c.3012del, p.Leu1005fs (NM_001410994.1); short protein forms L1005fs, L1006fs, L776fs, L973fs, L974fs.
Identifiers: ClinVar variation 4850635 (VCV004850635.1).